The following is an entry in ClinVar:

ClinVar aggregate classification (germline): Uncertain significance. Review status: criteria provided, multiple submitters, no conflicts (2 of 4 stars). 2 submissions from 2 submitters: Uncertain significance (2). Last evaluated 2025-06-10.

Conditions:
Emery-Dreifuss muscular dystrophy 4, autosomal dominant (EDMD4). Also called: EMERY-DREIFUSS MUSCULAR DYSTROPHY 4 WITH VARIABLE FEATURES. Identifiers: Orphanet 261, MedGen C2751807, MONDO:0013071, OMIM 612998.
Autosomal recessive ataxia, Beauce type. Also called: ATAXIA, RECESSIVE, OF BEAUCE; SYNE1 Deficiency; Spinocerebellar ataxia, autosomal recessive 8; SYNE1-Related Autosomal Recessive Cerebellar Ataxia. Identifiers: Orphanet 88644, MedGen C1853116, MONDO:0012549, OMIM 610743.

Allele frequency attached by ClinVar (database versions not stated): gnomAD exomes below 0.00001; ExAC 0.00001; gnomAD 0.00001.
gnomAD v4.1: 2 of 1,613,186 alleles (0.00012%); highest among the groups gnomAD compares: Non-Finnish European, 0.00017%; no homozygotes.

Submissions (2):

Labcorp Genetics (formerly Invitae), Labcorp
Classification: Uncertain significance for Emery-Dreifuss muscular dystrophy 4, autosomal dominant; Autosomal recessive ataxia, Beauce type. Last evaluated: 2025-06-10. Review status: criteria provided, single submitter. Criteria: Invitae Variant Classification Sherloc (09022015). Collection method: clinical testing. Allele origin: germline.
Comment: This sequence change replaces methionine, which is neutral and non-polar, with threonine, which is neutral and polar, at codon 492 of the SYNE1 protein (p.Met492Thr). This variant is present in population databases (rs757612135, gnomAD 0.002%). This variant has not been reported in the literature in individuals affected with SYNE1-related conditions. ClinVar contains an entry for this variant (Variation ID: 2436683). An algorithm developed to predict the effect of missense changes on protein structure and function (PolyPhen-2) suggests that this variant is likely to be disruptive. In summary, the available evidence is currently insufficient to determine the role of this variant in disease. Therefore, it has been classified as a Variant of Uncertain Significance.

Revvity Omics, Revvity
Classification: Uncertain significance. Last evaluated: 2019-06-14. Review status: criteria provided, single submitter. Criteria: ACMG Guidelines, 2015. Collection method: clinical testing. Allele origin: germline.

NM_182961.4(SYNE1):c.1454T>C (p.Met485Thr)

Gene: SYNE1 (spectrin repeat containing nuclear envelope protein 1; minus strand). Cytogenetic location: 6q25.2.
Variant type: single nucleotide variant.
Coding change: c.1454T>C on transcript NM_182961.4 (MANE Select); coding-DNA position 1454, T replaced by C.
Protein change: p.Met485Thr; replaces methionine 485 with threonine.
Molecular consequence: missense variant.
Genome position (GRCh38, 1-based): chr6:152,472,310, A>G on the plus strand (T>C on the coding strand, the complement: SYNE1 is on the minus strand). VCF-style: chr6-152472310-A-G. GRCh37 (hg19) VCF-style: chr6-152793445-A-G.
Other names: c.1475T>C, p.Met492Thr (NM_033071.5); short protein forms M485T, M492T.
Identifiers: ClinVar variation 2436683 (VCV002436683.4), dbSNP rs757612135, ClinGen allele CA4059401.
Genomic context (GRCh38, chr6:152,472,310, plus strand): 5'-CCACCTAGTGTTTTAAAAAGAGACTTCCTTTAAATGCAGATATTCTCTTACCTCTCGGCC[A>G]TGTCCTCTAATTGATCAGGTGGCACTGGAATCCCGTTAACAGACCTGGTCCGGTAGATTT-3'
Protein context (NP_892006.3, residues 475-495): IPVPPDQLED[Met485Thr]AERFHFVSST